The following is an entry in ClinVar:

ClinVar aggregate classification (germline): Uncertain significance. Review status: criteria provided, multiple submitters, no conflicts (2 of 4 stars). 2 submissions from 2 submitters: Uncertain significance (2). Last evaluated 2024-10-28.

Conditions:
Inborn genetic diseases. Identifiers: MedGen C0950123, MeSH D030342.

Allele frequency attached by ClinVar (database versions not stated): gnomAD exomes below 0.00001; TOPMed below 0.00001; gnomAD 0.00001.
gnomAD v4.1: 3 of 1,613,944 alleles (0.00019%); highest among the groups gnomAD compares: Non-Finnish European, 0.00025%; no homozygotes.

Submissions (2):

Labcorp Genetics (formerly Invitae), Labcorp
Classification: Uncertain significance. Last evaluated: 2024-10-28. Review status: criteria provided, single submitter. Criteria: Invitae Variant Classification Sherloc (09022015). Collection method: clinical testing. Allele origin: germline.
Comment: This sequence change replaces alanine, which is neutral and non-polar, with threonine, which is neutral and polar, at codon 21 of the C8B protein (p.Ala21Thr). This variant is present in population databases (no rsID available, gnomAD 0.0009%). This variant has not been reported in the literature in individuals affected with C8B-related conditions. ClinVar contains an entry for this variant (Variation ID: 2538137). An algorithm developed to predict the effect of missense changes on protein structure and function outputs the following: PolyPhen-2: "Benign". The threonine amino acid residue is found in multiple mammalian species, which suggests that this missense change does not adversely affect protein function. In summary, the available evidence is currently insufficient to determine the role of this variant in disease. Therefore, it has been classified as a Variant of Uncertain Significance.

Ambry Genetics
Classification: Uncertain significance for Inborn genetic diseases. Last evaluated: 2023-04-18. Review status: criteria provided, single submitter. Criteria: Ambry Variant Classification Scheme 2023. Collection method: clinical testing. Allele origin: germline.

NM_000066.4(C8B):c.61G>A (p.Ala21Thr)

Gene: C8B (complement C8 beta chain; minus strand). Cytogenetic location: 1p32.2.
Variant type: single nucleotide variant.
Coding change: c.61G>A on transcript NM_000066.4 (MANE Select); coding-DNA position 61, G replaced by A.
Protein change: p.Ala21Thr; replaces alanine 21 with threonine.
Molecular consequence: missense variant. On other transcripts: 5 prime UTR variant (2).
Genome position (GRCh38, 1-based): chr1:56,965,888, C>T on the plus strand (G>A on the coding strand, the complement: C8B is on the minus strand). VCF-style: chr1-56965888-C-T. GRCh37 (hg19) VCF-style: chr1-57431561-C-T.
Other names: c.-318G>A (NM_001278543.2); c.-255G>A (NM_001278544.2); short protein forms A21T.
Identifiers: ClinVar variation 2538137 (VCV002538137.5), dbSNP rs1233092970, ClinGen allele CA340514790.